The following is an entry in ClinVar:

NM_030962.4(SBF2):c.3536G>A (p.Arg1179His)

Gene: SBF2 (SET binding factor 2; minus strand). Cytogenetic location: 11p15.4.
Variant type: single nucleotide variant.
Coding change: c.3536G>A on transcript NM_030962.4 (MANE Select); coding-DNA position 3536, G replaced by A.
Protein change: p.Arg1179His; replaces arginine 1179 with histidine.
Molecular consequence: missense variant.
Genome position (GRCh38, 1-based): chr11:9,832,340, C>T on the plus strand (G>A on the coding strand, the complement: SBF2 is on the minus strand). VCF-style: chr11-9832340-C-T. GRCh37 (hg19) VCF-style: chr11-9853887-C-T.
Other names: c.3536G>A, p.Arg1179His (NM_001386339.1); c.3407G>A, p.Arg1136His (NM_001386342.1); short protein forms R1179H, R1136H.
Identifiers: ClinVar variation 1025815 (VCV001025815.10), dbSNP rs751750978, ClinGen allele CA5881237.

ClinVar aggregate classification (germline): Uncertain significance. Review status: criteria provided, multiple submitters, no conflicts (2 of 4 stars). 2 submissions from 2 submitters: Uncertain significance (2). Last evaluated 2024-04-10.

Conditions:
Charcot-Marie-Tooth disease type 4. Also called: Charcot-Marie-Tooth disease, type IV; Charcot-Marie-Tooth, Type 4. Identifiers: Orphanet 64749, MedGen C4082197, MONDO:0018995.
Charcot-Marie-Tooth disease type 4B2. Also called: Charcot-Marie-Tooth Neuropathy Type 4B2; CMT 4B2; CHARCOT-MARIE-TOOTH DISEASE, DEMYELINATING, TYPE 4B2; CHARCOT-MARIE-TOOTH DISEASE, WITH FOCALLY FOLDED MYELIN SHEATHS, AUTOSOMAL RECESSIVE, TYPE 4B2. Identifiers: Orphanet 99956, MedGen C1858278, MONDO:0011475, OMIM 604563.

Allele frequency attached by ClinVar (database versions not stated): ExAC 0.00002; gnomAD exomes 0.00002.
gnomAD v4.1: 9 of 1,613,962 alleles (0.00056%); highest among the groups gnomAD compares: East Asian, 0.0022%; no homozygotes.

Submissions (2):

ARUP Laboratories, Molecular Genetics and Genomics, ARUP Laboratories
Classification: Uncertain significance for Charcot-Marie-Tooth disease type 4B2. Last evaluated: 2024-04-10. Review status: criteria provided, single submitter. Criteria: ARUP Molecular Germline Variant Investigation Process 2024. Collection method: clinical testing. Allele origin: germline.
Comment: The SBF2 c.3536G>A; p.Arg1179His variant (rs751750978), to our knowledge, is not reported in the medical literature but is reported in ClinVar (Variation ID: 1025815). This variant is only observed on four alleles in the Genome Aggregation Database (v2.1.1), indicating it is not a common polymorphism. Computational analyses predict that this variant is deleterious (REVEL: 0.959). Due to limited information, the clinical significance of this variant is uncertain at this time.

Labcorp Genetics (formerly Invitae), Labcorp
Classification: Uncertain significance for Charcot-Marie-Tooth disease type 4. Last evaluated: 2020-04-02. Review status: criteria provided, single submitter. Criteria: Invitae Variant Classification Sherloc (09022015). Collection method: clinical testing. Allele origin: germline.
Comment: This sequence change replaces arginine with histidine at codon 1179 of the SBF2 protein (p.Arg1179His). The arginine residue is highly conserved and there is a small physicochemical difference between arginine and histidine. This variant is present in population databases (rs751750978, ExAC 0.009%). This variant has not been reported in the literature in individuals with SBF2-related conditions. Algorithms developed to predict the effect of missense changes on protein structure and function are either unavailable or do not agree on the potential impact of this missense change (SIFT: "Deleterious"; PolyPhen-2: "Probably Damaging"; Align-GVGD: "Class C0"). In summary, the available evidence is currently insufficient to determine the role of this variant in disease. Therefore, it has been classified as a Variant of Uncertain Significance.